The following is an entry in ClinVar:

NM_018451.5(CPAP):c.1410G>A (p.Pro470=)

Gene: CPAP (centrosome assembly and centriole elongation protein; minus strand). Cytogenetic location: 13q12.13.
Variant type: single nucleotide variant.
Coding change: c.1410G>A on transcript NM_018451.5 (MANE Select); coding-DNA position 1410, G replaced by A.
Protein change: p.Pro470=; no amino-acid change (proline 470 retained).
Molecular consequence: synonymous variant. On other transcripts: non-coding transcript variant (2).
Genome position (GRCh38, 1-based): chr13:24,906,628, C>T on the plus strand (G>A on the coding strand, the complement: CPAP is on the minus strand). VCF-style: chr13-24906628-C-T. GRCh37 (hg19) VCF-style: chr13-25480766-C-T.
Identifiers: ClinVar variation 158192 (VCV000158192.35), dbSNP rs115628561, ClinGen allele CA271247.

ClinVar aggregate classification (germline): Conflicting classifications of pathogenicity. Review status: criteria provided, conflicting classifications (1 of 4 stars). 5 submissions from 5 submitters: Uncertain significance (1); Likely benign (4). Last evaluated 2026-01-08.

Conditions:
Microcephaly 6, primary, autosomal recessive. Identifiers: Orphanet 2512, MedGen C1842109, MONDO:0012029, OMIM 608393.

Allele frequency attached by ClinVar (database versions not stated): gnomAD exomes 0.00023 and 0.00007; ExAC 0.00026; ESP Exome Variant Server 0.00054; gnomAD 0.00054; TOPMed 0.00057; 1000 Genomes Project 0.00120; 1000 Genomes Project 30x 0.00125.
gnomAD v4.1: 185 of 1,614,202 alleles (0.011%); highest among the groups gnomAD compares: African/African-American, 0.18%; no homozygotes.

Submissions (5):

Labcorp Genetics (formerly Invitae), Labcorp
Classification: Likely benign. Last evaluated: 2026-01-08. Review status: criteria provided, single submitter. Criteria: Invitae Variant Classification Sherloc (09022015). Collection method: clinical testing. Allele origin: germline.

CeGaT Center for Human Genetics Tuebingen
Classification: Likely benign. Last evaluated: 2024-08-01. Review status: criteria provided, single submitter. Criteria: CeGaT Center For Human Genetics Tuebingen Variant Classification Criteria Version 2. Collection method: clinical testing. Allele origin: germline. Affected: yes. Observed: 1 variant allele.
Comment: CPAP: BP4, BP7

Blueprint Genetics
Classification: Likely benign. Last evaluated: 2024-03-11. Review status: criteria provided, single submitter. Criteria: ACMG Guidelines, 2015. Collection method: clinical testing. Allele origin: germline.

GeneDx
Classification: Likely benign. Last evaluated: 2020-11-13. Review status: criteria provided, single submitter. Criteria: GeneDx Variant Classification Process June 2021. Collection method: clinical testing. Allele origin: germline. Affected: yes.

Genetic Services Laboratory, University of Chicago
Classification: Uncertain significance for Microcephaly 6, primary, autosomal recessive. Last evaluated: 2013-02-08. Review status: criteria provided, single submitter. Criteria: ACMG Guidelines, 2007. Collection method: clinical testing. Allele origin: germline. Inheritance: Autosomal recessive inheritance.